The following is an entry in ClinVar:

ClinVar aggregate classification (germline): Conflicting classifications of pathogenicity. Review status: criteria provided, conflicting classifications (1 of 4 stars). 11 submissions from 11 submitters: Uncertain significance (1); Benign (3); Likely benign (6). 1 of the submissions does not count toward it. Last evaluated 2026-03-01.

Conditions:
MYO15A-related disorder. Also called: MYO15A-related condition.
Inborn genetic diseases. Identifiers: MedGen C0950123, MeSH D030342.
Autosomal recessive nonsyndromic hearing loss 3. Also called: NEUROSENSORY NONSYNDROMIC RECESSIVE DEAFNESS 3. Identifiers: Orphanet 90636, MedGen C1838263, MONDO:0010860, OMIM 600316.

Allele frequency attached by ClinVar (database versions not stated): 1000 Genomes Project 0.00140; 1000 Genomes Project 30x 0.00141; gnomAD 0.00177 and 0.00189; gnomAD exomes 0.00177 and 0.00242; ESP Exome Variant Server 0.00209; TOPMed 0.00243; ExAC 0.00251.
gnomAD v4.1: 2,967 of 1,614,074 alleles (0.18%); highest among the groups gnomAD compares: Middle Eastern, 2%; 11 homozygotes.

Submissions (11):

CeGaT Center for Human Genetics Tuebingen
Classification: Likely benign. Last evaluated: 2026-03-01. Review status: criteria provided, single submitter. Criteria: CeGaT Center For Human Genetics Tuebingen Variant Classification Criteria Version 2. Collection method: clinical testing. Allele origin: germline. Affected: yes. Observed: 8 variant alleles.
Comment: MYO15A: BP4, BS2

Labcorp Genetics (formerly Invitae), Labcorp
Classification: Likely benign. Last evaluated: 2026-01-26. Review status: criteria provided, single submitter. Criteria: Invitae Variant Classification Sherloc (09022015). Collection method: clinical testing. Allele origin: germline.

Blueprint Genetics
Classification: Likely benign. Last evaluated: 2024-11-22. Review status: criteria provided, single submitter. Criteria: ACMG Guidelines, 2015. Collection method: clinical testing. Allele origin: germline.

Ambry Genetics
Classification: Likely benign for Inborn genetic diseases. Last evaluated: 2021-12-07. Review status: criteria provided, single submitter. Criteria: Ambry Variant Classification Scheme 2023. Collection method: clinical testing. Allele origin: germline.

Athena Diagnostics
Classification: Likely benign. Last evaluated: 2020-08-24. Review status: criteria provided, single submitter. Criteria: Athena Diagnostics criteria. Collection method: clinical testing. Allele origin: unknown.

GeneDx
Classification: Benign. Last evaluated: 2019-07-22. Review status: criteria provided, single submitter. Criteria: GeneDx Variant Classification Process June 2021. Collection method: clinical testing. Allele origin: germline. Affected: yes.

Institute of Human Genetics, University of Leipzig Medical Center
Classification: Likely benign for Autosomal recessive nonsyndromic hearing loss 3. Last evaluated: 2019-01-01. Review status: criteria provided, single submitter. Criteria: ACMG Guidelines, 2015. Collection method: clinical testing. Allele origin: unknown. Affected: yes.

Illumina Laboratory Services, Illumina
Classification: Uncertain significance for Autosomal recessive nonsyndromic hearing loss 3. Last evaluated: 2018-01-12. Review status: criteria provided, single submitter. Criteria: ICSL Variant Classification Criteria 13 December 2019. Collection method: clinical testing. Allele origin: germline.

Eurofins Ntd Llc (ga)
Classification: Benign. Last evaluated: 2016-09-14. Review status: criteria provided, single submitter. Criteria: EGL Classification Definitions 2015. Collection method: clinical testing. Allele origin: germline. Observed: 1 variant allele, 1 heterozygote.

Laboratory for Molecular Medicine, Mass General Brigham Personalized Medicine
Classification: Benign. Last evaluated: 2012-04-30. Review status: criteria provided, single submitter. Criteria: LMM Criteria. Collection method: clinical testing. Allele origin: germline. Observed: 9 variant alleles.
Comment: Asn3252Asp in Exon 60 of MYO15A: This variant is not expected to have clinical s ignificance because it has been identified in 0.4% (26/6804) of European America n chromosomes from a broad population by the NHLBI Exome Sequencing Project (dbSNP rs147458358).

PreventionGenetics, part of Exact Sciences
Classification: Benign for MYO15A-related condition. Last evaluated: 2019-05-17. Review status: no assertion criteria provided. Collection method: clinical testing. Allele origin: germline. Not counted in ClinVar's aggregate classification.
Comment: This variant is classified as benign based on ACMG/AMP sequence variant interpretation guidelines (Richards et al. 2015 PMID: 25741868, with internal and published modifications).

NM_016239.4(MYO15A):c.9754A>G (p.Asn3252Asp)

Gene: MYO15A (myosin XVA; plus strand). Cytogenetic location: 17p11.2.
Variant type: single nucleotide variant.
Coding change: c.9754A>G on transcript NM_016239.4 (MANE Select); coding-DNA position 9754, A replaced by G.
Protein change: p.Asn3252Asp; replaces asparagine 3252 with aspartic acid.
Molecular consequence: missense variant.
Genome position (GRCh38, 1-based): chr17:18,163,805, A>G. VCF-style: chr17-18163805-A-G. GRCh37 (hg19) VCF-style: chr17-18067119-A-G.
Other names: short protein forms N3252D.
Identifiers: ClinVar variation 164566 (VCV000164566.68), dbSNP rs147458358, ClinGen allele CA177275.